The following is an entry in ClinVar:

NM_019098.5(CNGB3):c.1356G>A (p.Gln452=)

Gene: CNGB3 (cyclic nucleotide gated channel subunit beta 3; minus strand). Cytogenetic location: 8q21.3.
Variant type: single nucleotide variant.
Coding change: c.1356G>A on transcript NM_019098.5 (MANE Select); coding-DNA position 1356, G replaced by A.
Protein change: p.Gln452=; no amino-acid change (glutamine 452 retained).
Molecular consequence: synonymous variant.
Genome position (GRCh38, 1-based): chr8:86,629,043, C>T on the plus strand (G>A on the coding strand, the complement: CNGB3 is on the minus strand). VCF-style: chr8-86629043-C-T. GRCh37 (hg19) VCF-style: chr8-87641271-C-T.
Identifiers: ClinVar variation 261082 (VCV000261082.21), dbSNP rs34839859, ClinGen allele CA4800044.

ClinVar aggregate classification (germline): Benign. Review status: criteria provided, multiple submitters, no conflicts (2 of 4 stars). 9 submissions from 8 submitters: Benign (6). 3 of the submissions do not count toward it. Last evaluated 2026-02-04.

Conditions:
Achromatopsia 3 (ACHM3). Also called: PINGELAPESE BLINDNESS; TOTAL COLORBLINDNESS WITH MYOPIA; ROD MONOCHROMACY 1; ROD MONOCHROMATISM 1; ACHROMATOPSIA WITH MYOPIA. Identifiers: Orphanet 49382, MedGen C1849792, MONDO:0009875, OMIM 262300.
Severe early-childhood-onset retinal dystrophy (STGD1). Also called: Stargardt macular dystrophy; Juvenile onset macular degeneration; Stargardt disease 1; MACULAR DYSTROPHY WITH FLECKS, TYPE 1; STGD. Identifiers: Orphanet 364055, Orphanet 827, MedGen C1855465, MeSH D000080362, MONDO:0009549, OMIM 248200.
Achromatopsia. Also called: Rod monochromatism. Identifiers: Orphanet 49382, MedGen C0152200, MONDO:0018852, HP:0011516.

Allele frequency attached by ClinVar (database versions not stated): gnomAD 0.05187 and 0.05572; 1000 Genomes Project 0.05811; TOPMed 0.05885; gnomAD exomes 0.01391; 1000 Genomes Project 30x 0.06027; ESP Exome Variant Server 0.06028; ExAC 0.01691.
gnomAD v4.1: 15,575 of 1,613,948 alleles (0.97%); highest among the groups gnomAD compares: African/African-American, 18%; 1,272 homozygotes.

Submissions (9):

Labcorp Genetics (formerly Invitae), Labcorp
Classification: Benign. Last evaluated: 2026-02-04. Review status: criteria provided, single submitter. Criteria: Invitae Variant Classification Sherloc (09022015). Collection method: clinical testing. Allele origin: germline.

GeneDx
Classification: Benign. Last evaluated: 2018-07-05. Review status: criteria provided, single submitter. Criteria: GeneDx Variant Classification Process June 2021. Collection method: clinical testing. Allele origin: germline. Affected: yes.

Illumina Laboratory Services, Illumina
Classification: Benign for Severe early-childhood-onset retinal dystrophy. Last evaluated: 2018-01-13. Review status: criteria provided, single submitter. Criteria: ICSL Variant Classification Criteria 13 December 2019. Collection method: clinical testing. Allele origin: germline.
Comment: This variant was observed in the ICSL laboratory as part of a predisposition screen in an ostensibly healthy population. It had not been previously curated by ICSL or reported in the Human Gene Mutation Database (HGMD: prior to June 1st, 2018), and was therefore a candidate for classification through an automated scoring system. Utilizing variant allele frequency, disease prevalence and penetrance estimates, and inheritance mode, an automated score was calculated to assess if this variant is too frequent to cause the disease. Based on the score and internal cut-off values, a variant classified as benign is not then subjected to further curation. The score for this variant resulted in a classification of benign for this disease.

Illumina Laboratory Services, Illumina
Classification: Benign for Achromatopsia 3. Last evaluated: 2018-01-13. Review status: criteria provided, single submitter. Criteria: ICSL Variant Classification Criteria 13 December 2019. Collection method: clinical testing. Allele origin: germline.
Comment: the same text as in the submission from Illumina Laboratory Services, Illumina above.

Breakthrough Genomics
Classification: Benign. Review status: criteria provided, single submitter. Criteria: ACMG Guidelines, 2015. Collection method: not provided. Allele origin: germline. Inheritance: Autosomal recessive inheritance. Affected: yes.

PreventionGenetics, part of Exact Sciences
Classification: Benign. Review status: criteria provided, single submitter. Criteria: ACMG Guidelines, 2015. Collection method: clinical testing. Allele origin: germline.

Natera, Inc.
Classification: Benign for Achromatopsia. Last evaluated: 2019-12-02. Review status: no assertion criteria provided. Collection method: clinical testing. Allele origin: germline. Not counted in ClinVar's aggregate classification.

Clinical Genetics DNA and cytogenetics Diagnostics Lab, Erasmus MC, Erasmus Medical Center
Classification: Benign. Review status: no assertion criteria provided. Collection method: clinical testing. Allele origin: germline. Affected: yes. Study: VKGL Data-share Consensus. Not counted in ClinVar's aggregate classification.

Joint Genome Diagnostic Labs from Nijmegen and Maastricht, Radboudumc and MUMC+
Classification: Benign. Review status: no assertion criteria provided. Collection method: clinical testing. Allele origin: germline. Affected: yes. Study: VKGL Data-share Consensus. Not counted in ClinVar's aggregate classification.